The following is an entry in ClinVar:

NM_020338.4(ZMIZ1):c.2225G>A (p.Cys742Tyr)

Gene: ZMIZ1 (zinc finger MIZ-type containing 1; plus strand). Cytogenetic location: 10q22.3.
Variant type: single nucleotide variant.
Coding change: c.2225G>A on transcript NM_020338.4 (MANE Select); coding-DNA position 2225, G replaced by A.
Protein change: p.Cys742Tyr; replaces cysteine 742 with tyrosine.
Molecular consequence: missense variant.
Genome position (GRCh38, 1-based): chr10:79,304,114, G>A. VCF-style: chr10-79304114-G-A. GRCh37 (hg19) VCF-style: chr10-81063871-G-A.
Other names: short protein forms C742Y.
Identifiers: ClinVar variation 986125 (VCV000986125.4), dbSNP rs1854522874, ClinGen allele CA377341537.

ClinVar aggregate classification (germline): Uncertain significance (1 of 4 stars; one submission).

Conditions:
Inborn genetic diseases. Identifiers: MedGen C0950123, MeSH D030342.

Submission:

Ambry Genetics
Classification: Uncertain significance for Inborn genetic diseases. Last evaluated: 2020-01-30. Review status: criteria provided, single submitter. Criteria: Ambry Variant Classification Scheme 2023. Collection method: clinical testing. Allele origin: germline.
Comment: The alteration results in an amino acid change:_x000D_ _x000D_ The c.2225G>A (p.C742Y) alteration is located in exon 19 (coding exon 15) of the ZMIZ1 gene. This alteration results from a G to A substitution at nucleotide position 2225, causing the cysteine (C) at amino acid position 742 to be replaced by a tyrosine (Y). The alteration is not observed in population databases: _x000D_ _x000D_ Based on data from the Genome Aggregation Database (gnomAD), the ZMIZ1 c.2225G>A alteration was not observed, with coverage at this position. The altered amino acid is conserved throughout evolution:_x000D_ _x000D_ The p.C742 amino acid is conserved in available vertebrate species. The alteration is predicted deleterious by in silico models:_x000D_ _x000D_ The p.C742Y alteration is predicted to be probably damaging by Polyphen and deleterious by SIFT in silico analyses. Based on insufficient or conflicting evidence, the clinical significance of this alteration remains unclear.